The following is an entry in ClinVar:

NM_006623.4(PHGDH):c.371C>T (p.Ala124Val)

Gene: PHGDH (phosphoglycerate dehydrogenase; plus strand). Cytogenetic location: 1p12.
Variant type: single nucleotide variant.
Coding change: c.371C>T on transcript NM_006623.4 (MANE Select); coding-DNA position 371, C replaced by T.
Protein change: p.Ala124Val; replaces alanine 124 with valine.
Molecular consequence: missense variant.
Genome position (GRCh38, 1-based): chr1:119,726,865, C>T. VCF-style: chr1-119726865-C-T. GRCh37 (hg19) VCF-style: chr1-120269488-C-T.
Other names: c.371C>T (NM_006623.3); short protein forms A124V.
Identifiers: ClinVar variation 2197572 (VCV002197572.2), dbSNP rs749596483, ClinGen allele CA1037064.

ClinVar aggregate classification (germline): Uncertain significance. Review status: criteria provided, multiple submitters, no conflicts (2 of 4 stars). 2 submissions from 2 submitters: Uncertain significance (2). Last evaluated 2025-01-21.

Conditions:
Inborn genetic diseases. Identifiers: MedGen C0950123, MeSH D030342.
PHGDH deficiency. Identifiers: Orphanet 79351, MedGen C1866174, MONDO:0011152, OMIM 601815.

Allele frequency attached by ClinVar (database versions not stated): gnomAD 0.00001; ExAC 0.00002; gnomAD exomes 0.00002; TOPMed 0.00005.
gnomAD v4.1: 29 of 1,613,904 alleles (0.0018%); highest among the groups gnomAD compares: East Asian, 0.011%; no homozygotes.

Submissions (2):

Ambry Genetics
Classification: Uncertain significance for Inborn genetic diseases. Last evaluated: 2025-01-21. Review status: criteria provided, single submitter. Criteria: Ambry Variant Classification Scheme 2023. Collection method: clinical testing. Allele origin: germline.

Labcorp Genetics (formerly Invitae), Labcorp
Classification: Uncertain significance for PHGDH deficiency. Last evaluated: 2022-08-17. Review status: criteria provided, single submitter. Criteria: Invitae Variant Classification Sherloc (09022015). Collection method: clinical testing. Allele origin: germline.
Comment: This sequence change replaces alanine, which is neutral and non-polar, with valine, which is neutral and non-polar, at codon 124 of the PHGDH protein (p.Ala124Val). This variant is present in population databases (rs749596483, gnomAD 0.02%). This variant has not been reported in the literature in individuals affected with PHGDH-related conditions. Algorithms developed to predict the effect of missense changes on protein structure and function are either unavailable or do not agree on the potential impact of this missense change (SIFT: "Tolerated"; PolyPhen-2: "Probably Damaging"; Align-GVGD: "Class C0"). Algorithms developed to predict the effect of sequence changes on RNA splicing suggest that this variant may create or strengthen a splice site. In summary, the available evidence is currently insufficient to determine the role of this variant in disease. Therefore, it has been classified as a Variant of Uncertain Significance.